The following is an entry in ClinVar:

NM_000722.4(CACNA2D1):c.2142-214A>C

Gene: CACNA2D1 (calcium voltage-gated channel auxiliary subunit alpha2delta 1; minus strand). Cytogenetic location: 7q21.11.
Variant type: single nucleotide variant.
Coding change: c.2142-214A>C on transcript NM_000722.4 (MANE Select); 214 bases into the intron before coding-DNA position 2142, A replaced by C.
Molecular consequence: intron variant.
Genome position (GRCh38, 1-based): chr7:81,970,951, T>G on the plus strand (A>C on the coding strand, the complement: CACNA2D1 is on the minus strand). VCF-style: chr7-81970951-T-G. GRCh37 (hg19) VCF-style: chr7-81600267-T-G.
Other names: c.2178-214A>C (NM_001366867.1).
Identifiers: ClinVar variation 674593 (VCV000674593.2), dbSNP rs1229504, ClinGen allele CA161124485.

ClinVar aggregate classification (germline): Benign. Review status: criteria provided, multiple submitters, no conflicts (2 of 4 stars). 2 submissions from 2 submitters: Benign (2). Last evaluated 2018-06-19.

Allele frequency attached by ClinVar (database versions not stated): 1000 Genomes Project 0.24022; 1000 Genomes Project 30x 0.24079; TOPMed 0.29253; gnomAD 0.29377 and 0.29549.
gnomAD v4.1: 183,639 of 539,754 alleles (34%); highest among the groups gnomAD compares: Non-Finnish European, 38%; 33,101 homozygotes.

Submissions (2):

GeneDx
Classification: Benign. Last evaluated: 2018-06-19. Review status: criteria provided, single submitter. Criteria: GeneDx Variant Classification (06012015). Collection method: clinical testing. Allele origin: germline. Affected: yes.
Comment: This variant is considered likely benign or benign based on one or more of the following criteria: it is a conservative change, it occurs at a poorly conserved position in the protein, it is predicted to be benign by multiple in silico algorithms, and/or has population frequency not consistent with disease.

Breakthrough Genomics
Classification: Benign. Review status: criteria provided, single submitter. Criteria: ACMG Guidelines, 2015. Collection method: not provided. Allele origin: germline. Inheritance: Autosomal recessive inheritance. Affected: yes.